The following is an entry in ClinVar:

ClinVar aggregate classification (germline): Conflicting classifications of pathogenicity. Review status: criteria provided, conflicting classifications (1 of 4 stars). 5 submissions from 5 submitters: Uncertain significance (3); Likely benign (1). 1 of the submissions does not count toward it. Last evaluated 2026-01-26.

Conditions:
Polyglandular autoimmune syndrome, type 1 (APS1). Also called: HYPOADRENOCORTICISM WITH HYPOPARATHYROIDISM AND SUPERFICIAL MONILIASIS; Autoimmune polyendocrine syndrome type 1; Autoimmune polyendocrinopathy syndrome, type I; AUTOIMMUNE POLYENDOCRINE SYNDROME, TYPE I, WITH OR WITHOUT REVERSIBLE METAPHYSEAL DYSPLASIA; APS I; Autoimmune polyendocrinopathy syndrome , type I, with or without reversible metaphyseal dysplasia. Identifiers: Orphanet 3453, MedGen C0085859, MONDO:0009411, OMIM 240300.

Allele frequency attached by ClinVar (database versions not stated): ESP Exome Variant Server 0.00054; TOPMed 0.00063; gnomAD 0.00068; 1000 Genomes Project 30x 0.00156; 1000 Genomes Project 0.00160.
gnomAD v4.1: 539 of 1,612,418 alleles (0.033%); highest among the groups gnomAD compares: African/African-American, 0.12%; 2 homozygotes.

Submissions (5):

Labcorp Genetics (formerly Invitae), Labcorp
Classification: Likely benign for Polyglandular autoimmune syndrome, type 1. Last evaluated: 2026-01-26. Review status: criteria provided, single submitter. Criteria: Invitae Variant Classification Sherloc (09022015). Collection method: clinical testing. Allele origin: germline.

Blueprint Genetics
Classification: Uncertain significance. Last evaluated: 2024-11-07. Review status: criteria provided, single submitter. Criteria: ACMG Guidelines, 2015. Collection method: clinical testing. Allele origin: germline.

Mayo Clinic Laboratories, Mayo Clinic
Classification: Uncertain significance. Last evaluated: 2024-06-20. Review status: criteria provided, single submitter. Criteria: ACMG Guidelines, 2015. Collection method: clinical testing. Allele origin: germline. Observed: 1 variant allele.

Women's Health and Genetics/Laboratory Corporation of America, LabCorp
Classification: Uncertain significance. Last evaluated: 2021-04-26. Review status: criteria provided, single submitter. Criteria: LabCorp Variant Classification Summary - May 2015. Collection method: clinical testing. Allele origin: germline.
Comment: Variant summary: AIRE c.1118C>T (p.Ala373Val) results in a non-conservative amino acid change located in the PRR domain (Suspitsin_2020) of the encoded protein sequence. Three of five in-silico tools predict a benign effect of the variant on protein function. The variant allele was found at a frequency of 0.00061 in 279934 control chromosomes in the gnomAD database, including one homozygote. This frequency is not higher than expected for a pathogenic variant in AIRE causing Autoimmune Polyglandular Syndrome Type 1 (0.00061 vs 0.0028), allowing no conclusion about variant significance. c.1118C>T has been reported in the literature in one individual affected with chronic mucocutaneous candidiasis (Suspitsin_2020). The report does not provide unequivocal conclusions about association of the variant with Autoimmune Polyglandular Syndrome Type 1. To our knowledge, no experimental evidence demonstrating an impact on protein function has been reported. Two ClinVar submitters (evaluation after 2014) cite the variant as likely benign. Based on the evidence outlined above, the variant was classified as uncertain significance.

Natera, Inc.
Classification: Likely benign for Polyglandular autoimmune syndrome type 1. Last evaluated: 2020-04-29. Review status: no assertion criteria provided. Collection method: clinical testing. Allele origin: germline. Not counted in ClinVar's aggregate classification.

Literature cited by the submitters: PubMed 32441320 (cited by Mayo Clinic Laboratories, Mayo Clinic and Women's Health and Genetics/Laboratory Corporation of America, LabCorp).

NM_000383.4(AIRE):c.1118C>T (p.Ala373Val)

Gene: AIRE (autoimmune regulator; plus strand). Cytogenetic location: 21q22.3.
Variant type: single nucleotide variant.
Coding change: c.1118C>T on transcript NM_000383.4 (MANE Select); coding-DNA position 1118, C replaced by T.
Protein change: p.Ala373Val; replaces alanine 373 with valine.
Molecular consequence: missense variant.
Genome position (GRCh38, 1-based): chr21:44,293,015, C>T. VCF-style: chr21-44293015-C-T. GRCh37 (hg19) VCF-style: chr21-45712898-C-T.
Other names: p.Ala373Val; short protein forms A373V.
Identifiers: ClinVar variation 788328 (VCV000788328.15), dbSNP rs79212994, ClinGen allele CA10051955.
Genomic context (GRCh38, chr21:44,293,015, plus strand): 5'-CGCCCGCTGCCCCTCTGATGCTGACCCTTGGGTTCCAGCTCCCCCCGGGGCTTAGGTCGG[C>T]GGGAGAGGAGGTAAGAGGTCCACCTGGGGAACCCCTAGCCGGCATGGACACGACTCTTGT-3'
Protein context (NP_000374.1, residues 363-383): ETPLPPGLRS[Ala373Val]GEEVRGPPGE